The following is an entry in ClinVar:

NM_000090.4(COL3A1):c.2078G>C (p.Gly693Ala)

Gene: COL3A1 (collagen type III alpha 1 chain; plus strand). Cytogenetic location: 2q32.2.
Variant type: single nucleotide variant.
Coding change: c.2078G>C on transcript NM_000090.4 (MANE Select); coding-DNA position 2078, G replaced by C.
Protein change: p.Gly693Ala; replaces glycine 693 with alanine.
Molecular consequence: missense variant.
Genome position (GRCh38, 1-based): chr2:188,999,340, G>C. VCF-style: chr2-188999340-G-C. GRCh37 (hg19) VCF-style: chr2-189864066-G-C.
Identifiers: ClinVar variation 101129 (VCV000101129.13), dbSNP rs587779442, ClinGen allele CA004970.

ClinVar aggregate classification (germline): Likely pathogenic. Review status: criteria provided, multiple submitters, no conflicts (2 of 4 stars). 3 submissions from 3 submitters: Likely pathogenic (2). 1 of the submissions does not count toward it. Last evaluated 2025-07-17.

Conditions:
Familial thoracic aortic aneurysm and aortic dissection (TAAD). Also called: Thoracic aortic aneurysms and dissections. Identifiers: Orphanet 91387, MedGen C4707243, MONDO:0019625.
Ehlers-Danlos syndrome, type 4 (EDSVASC). Also called: Ehlers-Danlos syndrome vascular type; Ehlers Danlos syndrome, ecchymotic type; Ehlers Danlos syndrome, arterial type; Ehlers Danlos syndrome, Sack-Barabas type; Ehlers-Danlos Syndrome Type IV. Identifiers: Orphanet 286, MedGen C0268338, MONDO:0017314, OMIM 130050.

Submissions (3):

Ambry Genetics
Classification: Likely pathogenic for Familial thoracic aortic aneurysm and aortic dissection. Last evaluated: 2025-07-17. Review status: criteria provided, single submitter. Criteria: Ambry Variant Classification Scheme 2023. Collection method: clinical testing. Allele origin: germline.
Comment: The p.G693A variant (also known as c.2078G>C), located in coding exon 30 of the COL3A1 gene, results from a G to C substitution at nucleotide position 2078. The glycine at codon 693 is replaced by alanine, an amino acid with similar properties. The majority (approximately two-thirds) of COL3A1 mutations identified to date have involved the substitution of another amino acid for glycine within the triple-helical domain (Pepin MG et al. Genet Med. 2014;16(12):881-8; Frank M et al. Eur J Hum Genet. 2015;23(12):1657-64). This variant was reported in individual(s) with features consistent with vascular Ehlers-Danlos syndrome (Pepin MG et al. Genet Med, 2014 Dec;16:881-8; Shalhub S et al. J Vasc Surg, 2023 Aug;78:394-404; Ambry internal data). Internal structural analysis indicates that this alteration disrupts the characteristic G-X-Y motif in the COL3A1 protein and inserts a bulky side chain into a sterically-constrained region (Bella J et al. Science. 1994;266:75-81; Hohenester E et al. Proc. Natl. Acad. Sci. U.S.A. 2008;105:18273-7; Ambry internal data). This amino acid position is highly conserved in available vertebrate species. In addition, this alteration is predicted to be deleterious by in silico analysis. This variant is considered to be rare based on population cohorts in the Genome Aggregation Database (gnomAD). Based on the majority of available evidence to date, this variant is likely to be pathogenic.

Labcorp Genetics (formerly Invitae), Labcorp
Classification: Likely pathogenic for Ehlers-Danlos syndrome, type 4. Last evaluated: 2023-11-14. Review status: criteria provided, single submitter. Criteria: Invitae Variant Classification Sherloc (09022015). Collection method: clinical testing. Allele origin: germline.
Comment: This sequence change replaces glycine, which is neutral and non-polar, with alanine, which is neutral and non-polar, at codon 693 of the COL3A1 protein (p.Gly693Ala). This variant is not present in population databases (gnomAD no frequency). This missense change has been observed in individual(s) with clinical features of vascular Ehlers-Danlos syndrome (PMID: 24922459). ClinVar contains an entry for this variant (Variation ID: 101129). Advanced modeling of protein sequence and biophysical properties (such as structural, functional, and spatial information, amino acid conservation, physicochemical variation, residue mobility, and thermodynamic stability) performed at Invitae indicates that this missense variant is expected to disrupt COL3A1 protein function with a positive predictive value of 95%. This variant disrupts the triple helix domain of COL3A1. Glycine residues within the Gly-Xaa-Yaa repeats of the triple helix domain are required for the structure and stability of fibrillar collagens (PMID: 7695699, 8218237, 19344236). In COL3A1, variants that affect these glycine residues are significantly enriched in individuals with disease (PMID: 24922459, 25758994) compared to the general population (ExAC). In summary, the currently available evidence indicates that the variant is pathogenic, but additional data are needed to prove that conclusively. Therefore, this variant has been classified as Likely Pathogenic.

Collagen Diagnostic Laboratory, University of Washington
Classification: Pathogenic for Ehlers-Danlos syndrome, type 4. Review status: no assertion criteria provided. Collection method: clinical testing. Allele origin: germline. Affected: yes. Not counted in ClinVar's aggregate classification.

Literature cited by the submitters: PubMed 24922459 (cited by Ambry Genetics and Labcorp Genetics (formerly Invitae), Labcorp); PubMed 37068529 (cited by Ambry Genetics); PubMed 7695699 (cited by Labcorp Genetics (formerly Invitae), Labcorp); PubMed 8218237 (cited by Labcorp Genetics (formerly Invitae), Labcorp); PubMed 19344236 (cited by Labcorp Genetics (formerly Invitae), Labcorp); PubMed 25758994 (cited by Labcorp Genetics (formerly Invitae), Labcorp).